The following is an entry in ClinVar:

NM_000199.5(SGSH):c.97G>A (p.Gly33Arg)

Gene: SGSH (N-sulfoglucosamine sulfohydrolase; minus strand). Cytogenetic location: 17q25.3.
Variant type: single nucleotide variant.
Coding change: c.97G>A on transcript NM_000199.5 (MANE Select); coding-DNA position 97, G replaced by A.
Protein change: p.Gly33Arg; replaces glycine 33 with arginine.
Molecular consequence: missense variant. On other transcripts: non-coding transcript variant (1).
Genome position (GRCh38, 1-based): chr17:80,217,184, C>T on the plus strand (G>A on the coding strand, the complement: SGSH is on the minus strand). VCF-style: chr17-80217184-C-T. GRCh37 (hg19) VCF-style: chr17-78190983-C-T.
Other names: c.97G>A (NM_000199.4); c.97G>A, p.Gly33Arg (NM_001352921.3, NM_001352922.2); short protein forms G33R.
Identifiers: ClinVar variation 92613 (VCV000092613.21), dbSNP rs398123246, ClinGen allele CA220487.
Genomic context (GRCh38, chr17:80,217,184, plus strand): 5'-AGGCGTCCAGGTGCGGGGTGGCGATGGCGCTGTTGTTGTACGCGCCACTCTCAAAGCCTC[C>T]GTCATCCGCTGCGTGAGGTGGGAGACAGAGAGTGCACGGTCGGCTGCGGTCACGAGAAAC-3'
Protein context (NP_000190.1, residues 23-43): RNALLLLADD[Gly33Arg]GFESGAYNNS

ClinVar aggregate classification (germline): Conflicting classifications of pathogenicity. Review status: criteria provided, conflicting classifications (1 of 4 stars). 7 submissions from 7 submitters: Likely pathogenic (2); Uncertain significance (4). 1 of the submissions does not count toward it. Last evaluated 2025-04-28.

Conditions:
Mucopolysaccharidosis, MPS-III-A (MPS3A). Also called: Mucopolysaccharidosis type IIIA (Sanfilippo A); Mucopolysaccharidosis, type IIIA; HEPARAN SULFATE SULFATASE DEFICIENCY; mucopolysaccharidosis type 3A; MPS IIIA (Sanfilippo Syndrome Type A); SANFILIPPO SYNDROME A. Identifiers: Orphanet 581, Orphanet 79269, MedGen C0086647, MONDO:0009655, OMIM 252900.

Allele frequency attached by ClinVar (database versions not stated): gnomAD exomes 0.00001; ExAC 0.00001; gnomAD 0.00001.

Submissions (7):

Natera, Inc.
Classification: Likely pathogenic for Mucopolysaccharidosis type IIIA. Last evaluated: 2025-04-28. Review status: criteria provided, single submitter. Criteria: Natera Variant Classification Schema (03/2026). Collection method: clinical testing. Allele origin: germline.
Comment: The c.97G>A variant in SGSH is a missense variant predicted to cause substitution of glycine to arginine at amino acid 33. This variant is rare in the general population with a frequency below the threshold expected for the associated phenotype(s). This variant has been observed in one or more individuals affected with the associated recessive disease, as either homozygous or compound heterozygous with a second variant (PMID: 38730490, 22976768). This variant has been identified in one or more affected individuals with a phenotype highly consistent with the associated gene (PMID: 38730490). Computational prediction algorithms indicate this variant is likely to affect gene or protein function. Given the available evidence, this variant is classified as Likely Pathogenic.

Victorian Clinical Genetics Services, Murdoch Childrens Research Institute
Classification: Uncertain significance for Mucopolysaccharidosis, MPS-III-A. Last evaluated: 2022-06-24. Review status: criteria provided, single submitter. Criteria: ACMG Guidelines, 2015. Collection method: clinical testing. Allele origin: germline. Inheritance: Autosomal recessive inheritance.
Comment: Based on the classification scheme VCGS_Germline_v1.3.4, this variant is classified as VUS-3A. Following criteria are met: 0102 - Loss of function is a known mechanism of disease in this gene and is associated with Mucopolysaccharidosis type IIIA (Sanfilippo A) [MIM#252900]. (I) 0106 - This gene is associated with autosomal recessive disease. (I) 0200 - Variant is predicted to result in a missense amino acid change from glycine to arginine. (I) 0251 - This variant is heterozygous. (I) 0304 - Variant is present in gnomAD <0.01 for a recessive condition (v2) (2 heterozygotes, 0 homozygotes). (SP) 0309 - An alternative amino acid change at the same position has been observed in gnomAD (v2) (3 heterozygotes, 0 homozygotes). (I) 0501 - Missense variant consistently predicted to be damaging by multiple in silico tools or highly conserved with a major amino acid change. (SP) 0600 - Variant is located in the annotated sulfatase domain [Decipher]. (I) 0705 - No comparable missense variants have previous evidence for pathogenicity. (I) 0808 - Previous reports of pathogenicity for this variant are conflicting. PMID 22976768 report this variant as homozygous in an individual with MPS III. The variant is also reported once as likely pathogenic and homozygous in Clinvar in a child with dysmorphic features, recurrent infection and lumbar hyperlordosis. This variant has been reported as a VUS in ClinVar 5 times. (I) 0905 - No published segregation evidence has been identified for this variant. (I) 1007 - No published functional evidence has been identified for this variant. (I) Legend: (SP) - Supporting pathogenic, (I) - Information, (SB) - Supporting benign

Labcorp Genetics (formerly Invitae), Labcorp
Classification: Uncertain significance for Mucopolysaccharidosis, MPS-III-A. Last evaluated: 2022-04-06. Review status: criteria provided, single submitter. Criteria: Invitae Variant Classification Sherloc (09022015). Collection method: clinical testing. Allele origin: germline.
Comment: This sequence change replaces glycine, which is neutral and non-polar, with arginine, which is basic and polar, at codon 33 of the SGSH protein (p.Gly33Arg). The frequency data for this variant in the population databases is considered unreliable, as metrics indicate poor data quality at this position in the gnomAD database. This missense change has been observed in individual(s) with clinical features of mucopolysaccharidosis type IIIA (PMID: 22976768). ClinVar contains an entry for this variant (Variation ID: 92613). Advanced modeling of protein sequence and biophysical properties (such as structural, functional, and spatial information, amino acid conservation, physicochemical variation, residue mobility, and thermodynamic stability) performed at Invitae indicates that this missense variant is expected to disrupt SGSH protein function. In summary, the available evidence is currently insufficient to determine the role of this variant in disease. Therefore, it has been classified as a Variant of Uncertain Significance.

Genome-Nilou Lab
Classification: Uncertain significance for Mucopolysaccharidosis, MPS-III-A. Last evaluated: 2021-11-07. Review status: criteria provided, single submitter. Criteria: ACMG Guidelines, 2015. Collection method: clinical testing. Allele origin: germline. Affected: no.

Foundation for Research in Genetics and Endocrinology, FRIGE's Institute of Human Genetics
Classification: Likely pathogenic for Mucopolysaccharidosis, MPS-III-A. Last evaluated: 2021-02-12. Review status: criteria provided, single submitter. Criteria: ACMG Guidelines, 2015. Collection method: clinical testing. Allele origin: germline. Inheritance: Autosomal recessive inheritance. Affected: yes. Observed: 1 variant allele, 1 homozygote.
Comment: A homozygous missense variant in exon 2 of the SGSH gene that results in the amino acid substitution of Arginine for Glycine at codon 33 was detected. The observed variant c.97G>A (p.Gly33Arg) has not been reported in the 1000 genomes and has a MAF of 0.001% in gnomAD databases. The in silico prediction of the variant is damaging by MutationTaster2. In summary, the variant meets our criteria to be classified as pathogenic.

Eurofins Ntd Llc (ga)
Classification: Uncertain significance. Last evaluated: 2013-01-23. Review status: criteria provided, single submitter. Criteria: EGL Classification Definitions 2015. Collection method: clinical testing. Allele origin: germline. Observed: 1 variant allele, 1 heterozygote.

Counsyl
Classification: Uncertain significance for Mucopolysaccharidosis, MPS-III-A. Last evaluated: 2017-12-19. Review status: no assertion criteria provided. Collection method: clinical testing. Allele origin: unknown. Not counted in ClinVar's aggregate classification.

Literature cited by the submitters: PubMed 38730490 (cited by Natera, Inc.); PubMed 22976768 (cited by 4 submitters).